The following is an entry in ClinVar:

ClinVar aggregate classification (germline): Pathogenic (1 of 4 stars; one submission).

Conditions:
Episodic kinesigenic dyskinesia (EKD). Also called: Paroxysmal kinesigenic dyskinesia. Identifiers: Orphanet 98809, MedGen C1868682, MONDO:0044202.

Submission:

Labcorp Genetics (formerly Invitae), Labcorp
Classification: Pathogenic for Episodic kinesigenic dyskinesia. Last evaluated: 2024-05-08. Review status: criteria provided, single submitter. Criteria: Invitae Variant Classification Sherloc (09022015). Collection method: clinical testing. Allele origin: germline.
Comment: This sequence change creates a premature translational stop signal (p.Gln157Profs*14) in the PRRT2 gene. It is expected to result in an absent or disrupted protein product. Loss-of-function variants in PRRT2 are known to be pathogenic (PMID: 22623405, 22744660). This variant is not present in population databases (gnomAD no frequency). This variant has not been reported in the literature in individuals affected with PRRT2-related conditions. For these reasons, this variant has been classified as Pathogenic.

Literature cited by the submitters: PubMed 22623405; PubMed 22744660.

NM_145239.3(PRRT2):c.468_483del (p.Gln157fs)

Genes: MVP-DT (MVP divergent transcript; minus strand), PRRT2 (proline rich transmembrane protein 2; plus strand). Cytogenetic location: 16p11.2.
Variant type: Deletion.
Coding change: c.468_483del on transcript NM_145239.3 (MANE Select); coding-DNA positions 468 to 483, 16 bases deleted (TCAACCAGAGCTCCCT).
Protein change: p.Gln157fs; shifts the reading frame from glutamine 157.
Molecular consequence: frameshift variant.
Genome position (GRCh38, 1-based): chr16:29,813,522-29,813,537, TCAACCAGAGCTCCCT deleted; deleting any 16 consecutive bases within chr16:29,813,518-29,813,537 gives the same sequence; the c. name uses the placement nearest the transcript's 3' end. VCF-style (leftmost placement, unchanged base first): chr16-29813517-GCCCTTCAACCAGAGCT-G. GRCh37 (hg19) VCF-style: chr16-29824838-GCCCTTCAACCAGAGCT-G.
Other names: c.468_483del, p.Gln157fs (NM_001256442.2, NM_001256443.2); short protein forms Q157fs.
Identifiers: ClinVar variation 3652653 (VCV003652653.2).